The following is an entry in ClinVar:

ClinVar aggregate classification (germline): Uncertain significance. Review status: criteria provided, multiple submitters, no conflicts (2 of 4 stars). 6 submissions from 4 submitters: Uncertain significance (6). Last evaluated 2025-11-10.

Conditions:
Leber congenital amaurosis 6 (LCA6). Identifiers: Orphanet 65, MedGen C1854260, MONDO:0013446, OMIM 613826.
Cone-rod dystrophy 13 (CORD13). Identifiers: Orphanet 1872, MedGen C2750720, MONDO:0011987, OMIM 608194.
Inborn genetic diseases. Identifiers: MedGen C0950123, MeSH D030342.

Allele frequency attached by ClinVar (database versions not stated): gnomAD 0.00001; TOPMed 0.00001.
gnomAD v4.1: 4 of 1,612,484 alleles (0.00025%); highest among the groups gnomAD compares: Non-Finnish European, 0.00034%; no homozygotes.

Submissions (6):

Labcorp Genetics (formerly Invitae), Labcorp
Classification: Uncertain significance for Leber congenital amaurosis 6; Cone-rod dystrophy 13. Last evaluated: 2025-11-10. Review status: criteria provided, single submitter. Criteria: Invitae Variant Classification Sherloc (09022015). Collection method: clinical testing. Allele origin: germline.
Comment: This sequence change replaces valine, which is neutral and non-polar, with isoleucine, which is neutral and non-polar, at codon 1272 of the RPGRIP1 protein (p.Val1272Ile). This variant is present in population databases (no rsID available, gnomAD 0.0009%). This variant has not been reported in the literature in individuals affected with RPGRIP1-related conditions. ClinVar contains an entry for this variant (Variation ID: 312802). Invitae Evidence Modeling of protein sequence and biophysical properties (such as structural, functional, and spatial information, amino acid conservation, physicochemical variation, residue mobility, and thermodynamic stability) has been performed for this missense variant. However, the output from this modeling did not meet the statistical confidence thresholds required to predict the impact of this variant on RPGRIP1 protein function. In summary, the available evidence is currently insufficient to determine the role of this variant in disease. Therefore, it has been classified as a Variant of Uncertain Significance.

Ambry Genetics
Classification: Uncertain significance for Inborn genetic diseases. Last evaluated: 2022-06-06. Review status: criteria provided, single submitter. Criteria: Ambry Variant Classification Scheme 2023. Collection method: clinical testing. Allele origin: germline.

Genome-Nilou Lab
Classification: Uncertain significance for Leber congenital amaurosis 6. Last evaluated: 2021-11-07. Review status: criteria provided, single submitter. Criteria: ACMG Guidelines, 2015. Collection method: clinical testing. Allele origin: germline. Affected: no.

Genome-Nilou Lab
Classification: Uncertain significance for Cone-rod dystrophy 13. Last evaluated: 2021-11-07. Review status: criteria provided, single submitter. Criteria: ACMG Guidelines, 2015. Collection method: clinical testing. Allele origin: germline. Affected: no.

Illumina Laboratory Services, Illumina
Classification: Uncertain significance for Cone-rod dystrophy 13. Last evaluated: 2018-01-13. Review status: criteria provided, single submitter. Criteria: ICSL Variant Classification Criteria 13 December 2019. Collection method: clinical testing. Allele origin: germline.

Illumina Laboratory Services, Illumina
Classification: Uncertain significance for Leber congenital amaurosis 6. Last evaluated: 2018-01-13. Review status: criteria provided, single submitter. Criteria: ICSL Variant Classification Criteria 13 December 2019. Collection method: clinical testing. Allele origin: germline.

NM_020366.4(RPGRIP1):c.3814G>A (p.Val1272Ile)

Gene: RPGRIP1 (RPGR interacting protein 1; plus strand). Cytogenetic location: 14q11.2.
Variant type: single nucleotide variant.
Coding change: c.3814G>A on transcript NM_020366.4 (MANE Select); coding-DNA position 3814, G replaced by A.
Protein change: p.Val1272Ile; replaces valine 1272 with isoleucine.
Molecular consequence: missense variant.
Genome position (GRCh38, 1-based): chr14:21,351,169, G>A. VCF-style: chr14-21351169-G-A. GRCh37 (hg19) VCF-style: chr14-21819328-G-A.
Other names: c.1792G>A, p.Val598Ile (NM_001377523.1, NM_001377950.1); c.2740G>A, p.Val914Ile (NM_001377948.1); c.1900G>A, p.Val634Ile (NM_001377949.1); c.1297G>A, p.Val433Ile (NM_001377951.1); short protein forms V1272I, V433I, V598I, V634I, V914I.
Identifiers: ClinVar variation 312802 (VCV000312802.15), dbSNP rs778860397, ClinGen allele CA10645005.